The following is an entry in ClinVar:

NM_182961.4(SYNE1):c.20720T>A (p.Met6907Lys)

Gene: SYNE1 (spectrin repeat containing nuclear envelope protein 1; minus strand). Cytogenetic location: 6q25.2.
Variant type: single nucleotide variant.
Coding change: c.20720T>A on transcript NM_182961.4 (MANE Select); coding-DNA position 20720, T replaced by A.
Protein change: p.Met6907Lys; replaces methionine 6907 with lysine.
Molecular consequence: missense variant.
Genome position (GRCh38, 1-based): chr6:152,232,258, A>T on the plus strand (T>A on the coding strand, the complement: SYNE1 is on the minus strand). VCF-style: chr6-152232258-A-T. GRCh37 (hg19) VCF-style: chr6-152553393-A-T.
Other names: c.20507T>A, p.Met6836Lys (NM_033071.5); short protein forms M6836K, M6907K.
Identifiers: ClinVar variation 3342084 (VCV003342084.16).
Genomic context (GRCh38, chr6:152,232,258, plus strand): 5'-TCCATTAGAGAAATCCAACTCATGACTTCAGAAATGGCATGGCGGGAAGGCAGTTTATCC[A>T]TCTGGAGCTGTCCAAGTCAGGGAGAGAACCAGTCCCAAGTGTTAAAATGGAAACCCCAAC-3'
Protein context (NP_892006.3, residues 6897-6917): AVQEKLHQLQ[Met6907Lys]DKLPSRHAIS

ClinVar aggregate classification (germline): Uncertain significance (1 of 4 stars; one submission).

Submission:

CeGaT Center for Human Genetics Tuebingen
Classification: Uncertain significance. Last evaluated: 2024-08-01. Review status: criteria provided, single submitter. Criteria: CeGaT Center For Human Genetics Tuebingen Variant Classification Criteria Version 2. Collection method: clinical testing. Allele origin: germline. Affected: yes. Observed: 1 variant allele.
Comment: SYNE1: PM2